The following is an entry in ClinVar:

NM_016604.4(KDM3B):c.2801C>T (p.Thr934Ile)

Gene: KDM3B (lysine demethylase 3B; plus strand). Cytogenetic location: 5q31.2.
Variant type: single nucleotide variant.
Coding change: c.2801C>T on transcript NM_016604.4 (MANE Select); coding-DNA position 2801, C replaced by T.
Protein change: p.Thr934Ile; replaces threonine 934 with isoleucine.
Molecular consequence: missense variant.
Genome position (GRCh38, 1-based): chr5:138,393,342, C>T. VCF-style: chr5-138393342-C-T. GRCh37 (hg19) VCF-style: chr5-137729031-C-T.
Other names: short protein forms T934I.
Identifiers: ClinVar variation 5023128 (VCV005023128.1).

ClinVar aggregate classification (germline): Uncertain significance (1 of 4 stars; one submission).

Conditions:
Inborn genetic diseases. Identifiers: MedGen C0950123, MeSH D030342.

Submission:

Ambry Genetics
Classification: Uncertain significance for Inborn genetic diseases. Last evaluated: 2026-07-23. Review status: criteria provided, single submitter. Criteria: Ambry Variant Classification Scheme 2023. Collection method: clinical testing. Allele origin: germline.
Comment: The c.2801C>T (p.T934I) alteration is located in exon 9 (coding exon 9) of the KDM3B gene. This alteration results from a C to T substitution at nucleotide position 2801, causing the threonine (T) at amino acid position 934 to be replaced by an isoleucine (I). This variant was not reported in population-based cohorts in the Genome Aggregation Database (gnomAD). This amino acid position is not well conserved in available vertebrate species. This missense variant is located in a region that has a low rate of benign missense variation (Lek, 2016; Firth, 2009). This alteration is predicted to be deleterious by in silico analysis. Based on insufficient or conflicting evidence, the clinical significance of this alteration remains unclear.